The following is an entry in ClinVar:

NM_000531.6(OTC):c.2T>C (p.Met1Thr)

Gene: OTC (ornithine transcarbamylase; plus strand). Cytogenetic location: Xp11.4.
Variant type: single nucleotide variant.
Coding change: c.2T>C on transcript NM_000531.6 (MANE Select); coding-DNA position 2, T replaced by C.
Protein change: p.Met1Thr; changes the start codon (methionine 1).
Molecular consequence: missense variant, initiator codon variant.
Genome position (GRCh38, 1-based): chrX:38,352,698, T>C. VCF-style: chrX-38352698-T-C. GRCh37 (hg19) VCF-style: chrX-38211951-T-C.
Other names: short protein forms M1T.
Identifiers: ClinVar variation 97164 (VCV000097164.9), dbSNP rs72552295, ClinGen allele CA224547.
Genomic context (GRCh38, chrX:38,352,698, plus strand): 5'-GCTAACTTGCTGTGGAGTTTTCAAGGGCATAGAATCGTCCTTTACACAATTAAAAGAAGA[T>C]GCTGTTTAATCTGAGGATCCTGTTAAACAATGCAGCTTTTAGAAATGGTCACAACTTCAT-3'
Protein context (NP_000522.3, residues 1-11): [Met1Thr]LFNLRILLNN

ClinVar aggregate classification (germline): Pathogenic. Review status: criteria provided, single submitter (1 of 4 stars). 2 submissions from 2 submitters: Pathogenic (1). 1 of the submissions does not count toward it. Last evaluated 2021-12-03.

Conditions:
Ornithine carbamoyltransferase deficiency (OTCD). Also called: ORNITHINE TRANSCARBAMYLASE DEFICIENCY, HYPERAMMONEMIA DUE TO; ORNITHINE TRANSCARBAMYLASE DEFICIENCY; OTC DEFICIENCY; Ornithine Carbamoyltransferase Deficiency Disease. Identifiers: Orphanet 664, MedGen C0268542, MONDO:0010703, OMIM 311250.

Submissions (2):

Labcorp Genetics (formerly Invitae), Labcorp
Classification: Pathogenic for Ornithine carbamoyltransferase deficiency. Last evaluated: 2021-12-03. Review status: criteria provided, single submitter. Criteria: Invitae Variant Classification Sherloc (09022015). Collection method: clinical testing. Allele origin: germline.
Comment: This sequence change affects the initiator methionine of the OTC mRNA. The next in-frame methionine is located at codon p.Met21. For these reasons, this variant has been classified as Pathogenic. ClinVar contains an entry for this variant (Variation ID: 97164). Disruption of the initiator codon has been observed in individual(s) with ornithine transcarbamylase deficiency (PMID: 11793483, 16786505, 33272297). In at least one individual the variant was observed to be de novo. This variant is not present in population databases (gnomAD no frequency).

GenMed Metabolism Lab
Classification: Pathogenic. Review status: no assertion criteria provided. Collection method: not provided. Allele origin: unknown. Not counted in ClinVar's aggregate classification.
ClinVar note: Converted during submission from pathogenic to Pathogenic.

Literature cited by the submitters: PubMed 11793483 (cited by Labcorp Genetics (formerly Invitae), Labcorp); PubMed 16786505 (cited by Labcorp Genetics (formerly Invitae), Labcorp); PubMed 33272297 (cited by Labcorp Genetics (formerly Invitae), Labcorp).